The following is an entry in ClinVar:

ClinVar aggregate classification (germline): Likely pathogenic (1 of 4 stars; one submission).

Conditions:
Diencephalic-mesencephalic junction dysplasia syndrome 1 (DMJDS1). Also called: Microcephaly with spastic quadriplegia. Identifiers: MedGen C4538630, MONDO:0009625, OMIM 251280.

Submission:

Juno Genomics, Hangzhou Juno Genomics, Inc
Classification: Likely pathogenic for Diencephalic-mesencephalic junction dysplasia syndrome 1. Review status: criteria provided, single submitter. Criteria: ACMG Guidelines, 2015. Collection method: clinical testing. Allele origin: germline. Affected: yes.
Comment: Absent from controls (or at extremely low frequency if recessive) in Genome Aggregation Database, Exome Sequencing Project, 1000 Genomes Project, or Exome Aggregation Consortium.;Null variant in a gene where loss of function (LOF) is a known mechanism of disease.

NM_016580.4(PCDH12):c.2581G>T (p.Glu861Ter)

Genes: PCDH12 (protocadherin 12; minus strand), RNF14 (ring finger protein 14; plus strand). Cytogenetic location: 5q31.3.
Variant type: single nucleotide variant.
Coding change: c.2581G>T on transcript NM_016580.4 (MANE Select); coding-DNA position 2581, G replaced by T.
Protein change: p.Glu861Ter; replaces glutamic acid 861 with a stop codon.
Molecular consequence: nonsense.
Genome position (GRCh38, 1-based): chr5:141,955,271, C>A on the plus strand (G>T on the coding strand, the complement: PCDH12 is on the minus strand). VCF-style: chr5-141955271-C-A. GRCh37 (hg19) VCF-style: chr5-141334836-C-A.
Other names: short protein forms E861*.
Identifiers: ClinVar variation 3382378 (VCV003382378.2).